The following is an entry in ClinVar:

NM_001111.5(ADAR):c.1223A>G (p.Lys408Arg)

Gene: ADAR (adenosine deaminase RNA specific; minus strand). Cytogenetic location: 1q21.3.
Variant type: single nucleotide variant.
Coding change: c.1223A>G on transcript NM_001111.5 (MANE Select); coding-DNA position 1223, A replaced by G.
Protein change: p.Lys408Arg; replaces lysine 408 with arginine.
Molecular consequence: missense variant.
Genome position (GRCh38, 1-based): chr1:154,601,419, T>C on the plus strand (A>G on the coding strand, the complement: ADAR is on the minus strand). VCF-style: chr1-154601419-T-C. GRCh37 (hg19) VCF-style: chr1-154573895-T-C.
Other names: c.338A>G, p.Lys113Arg (NM_001025107.3, NM_001193495.2, NM_001365046.1 and 3 more transcripts); c.1250A>G, p.Lys417Arg (NM_001365045.1); c.1223A>G, p.Lys408Arg (NM_015840.4, NM_015841.4); short protein forms K408R, K417R, K113R.
Identifiers: ClinVar variation 2087062 (VCV002087062.4), dbSNP rs2526650997, ClinGen allele CA342597089.

ClinVar aggregate classification (germline): Uncertain significance (1 of 4 stars; one submission).

Conditions:
Aicardi-Goutieres syndrome 6 (AGS6). Identifiers: Orphanet 51, MedGen C3539013, MONDO:0014007, OMIM 615010.
Symmetrical dyschromatosis of extremities (DSH). Also called: RETICULATE ACROPIGMENTATION OF DOHI; SYMMETRIC DYSCHROMATOSIS OF THE EXTREMITIES; Dyschromatosis symmetrica hereditaria; DYSCHROMATOSIS SYMMETRICA HEREDITARIA 1. Identifiers: Orphanet 41, MedGen C0406775, MONDO:0007483, OMIM 127400.

Submission:

Labcorp Genetics (formerly Invitae), Labcorp
Classification: Uncertain significance for Aicardi-Goutieres syndrome 6; Symmetrical dyschromatosis of extremities. Last evaluated: 2022-08-23. Review status: criteria provided, single submitter. Criteria: Invitae Variant Classification Sherloc (09022015). Collection method: clinical testing. Allele origin: germline.
Comment: This variant has not been reported in the literature in individuals affected with ADAR-related conditions. In summary, the available evidence is currently insufficient to determine the role of this variant in disease. Therefore, it has been classified as a Variant of Uncertain Significance. Algorithms developed to predict the effect of missense changes on protein structure and function output the following: SIFT: "Tolerated"; PolyPhen-2: "Benign"; Align-GVGD: "Class C0". The arginine amino acid residue is found in multiple mammalian species, which suggests that this missense change does not adversely affect protein function. This variant is not present in population databases (gnomAD no frequency). This sequence change replaces lysine, which is basic and polar, with arginine, which is basic and polar, at codon 408 of the ADAR protein (p.Lys408Arg).